The following is an entry in ClinVar:

ClinVar aggregate classification (germline): Uncertain significance (1 of 4 stars; one submission).

gnomAD v4.1: 2 of 1,612,164 alleles (0.00012%); highest among the groups gnomAD compares: Non-Finnish European, 0.00017%; no homozygotes.

Submission:

Labcorp Genetics (formerly Invitae), Labcorp
Classification: Uncertain significance. Last evaluated: 2025-06-18. Review status: criteria provided, single submitter. Criteria: Invitae Variant Classification Sherloc (09022015). Collection method: clinical testing. Allele origin: germline.
Comment: This sequence change replaces alanine, which is neutral and non-polar, with valine, which is neutral and non-polar, at codon 237 of the NFIA protein (p.Ala237Val). This variant is present in population databases (no rsID available, gnomAD 0.006%). This variant has not been reported in the literature in individuals affected with NFIA-related conditions. An algorithm developed to predict the effect of missense changes on protein structure and function (PolyPhen-2) suggests that this variant is likely to be disruptive. In summary, the available evidence is currently insufficient to determine the role of this variant in disease. Therefore, it has been classified as a Variant of Uncertain Significance.

NM_001134673.4(NFIA):c.710C>T (p.Ala237Val)

Gene: NFIA (nuclear factor I A; plus strand). Cytogenetic location: 1p31.3.
Variant type: single nucleotide variant.
Coding change: c.710C>T on transcript NM_001134673.4 (MANE Select); coding-DNA position 710, C replaced by T.
Protein change: p.Ala237Val; replaces alanine 237 with valine.
Molecular consequence: missense variant.
Genome position (GRCh38, 1-based): chr1:61,352,459, C>T. VCF-style: chr1-61352459-C-T. GRCh37 (hg19) VCF-style: chr1-61818131-C-T.
Other names: c.686C>T, p.Ala229Val (NM_001145511.2); c.845C>T, p.Ala282Val (NM_001145512.2); c.710C>T, p.Ala237Val (NM_005595.5); short protein forms A229V, A282V, A237V.
Identifiers: ClinVar variation 4760975 (VCV004760975.1).
Genomic context (GRCh38, chr1:61,352,459, plus strand): 5'-TTTTTTTATCCACAGAATTTAACTGATTTTTGTTTGTTTTCTTAATTCTAGCACCAATAG[C>T]TGCAGGAACTGGCCCAAATTTTTCTCTCTCAGATTTGGAAAGTTCTTCATACTACAGCAT-3'
Protein context (NP_001128145.1, residues 227-247): ELVRVSQTPI[Ala237Val]AGTGPNFSLS